The following is an entry in ClinVar:

NM_001367561.1(DOCK7):c.2921C>T (p.Thr974Ile)

Gene: DOCK7 (dedicator of cytokinesis 7; minus strand). Cytogenetic location: 1p31.3.
Variant type: single nucleotide variant.
Coding change: c.2921C>T on transcript NM_001367561.1 (MANE Select); coding-DNA position 2921, C replaced by T.
Protein change: p.Thr974Ile; replaces threonine 974 with isoleucine.
Molecular consequence: missense variant.
Genome position (GRCh38, 1-based): chr1:62,543,684, G>A on the plus strand (C>T on the coding strand, the complement: DOCK7 is on the minus strand). VCF-style: chr1-62543684-G-A. GRCh37 (hg19) VCF-style: chr1-63009355-G-A.
Other names: c.2921C>T, p.Thr974Ile (NM_001271999.2, NM_001330614.2); c.2828C>T, p.Thr943Ile (NM_001272000.2, NM_001272001.2, NM_033407.4); short protein forms T943I, T974I.
Identifiers: ClinVar variation 4849127 (VCV004849127.1).

ClinVar aggregate classification (germline): Uncertain significance (1 of 4 stars; one submission).

gnomAD v4.1: 3 of 1,603,998 alleles (0.00019%); highest among the groups gnomAD compares: Non-Finnish European, 0.00017%; no homozygotes.

Submission:

Women's Health and Genetics/Laboratory Corporation of America, LabCorp
Classification: Uncertain significance. Last evaluated: 2026-04-23. Review status: criteria provided, single submitter. Criteria: LabCorp Variant Classification Summary - May 2015. Collection method: clinical testing. Allele origin: germline.
Comment: Variant summary: DOCK7 c.2828C>T (p.Thr943Ile) results in a non-conservative amino acid change in the encoded protein sequence. Algorithms developed to predict the effect of missense changes on protein structure and function are either unavailable or do not agree on the potential impact of this missense change. The variant was absent in 250942 control chromosomes. The available data on variant occurrences in the general population are insufficient to allow any conclusion about variant significance. To our knowledge, no occurrence of c.2828C>T in individuals affected with DOCK7-related conditions and no experimental evidence demonstrating its impact on protein function have been reported. No submitters have cited clinical-significance assessments for this variant to ClinVar. Based on the evidence outlined above, the variant was classified as uncertain significance.